The following is an entry in ClinVar:

ClinVar aggregate classification (germline): Benign (1 of 4 stars; one submission).

Allele frequency attached by ClinVar (database versions not stated): 1000 Genomes Project 0.02436; gnomAD 0.02443 and 0.02638; TOPMed 0.02909; 1000 Genomes Project 30x 0.02545.
gnomAD v4.1: 3,683 of 152,282 alleles (2.4%); highest among the groups gnomAD compares: African/African-American, 8.3%; 159 homozygotes.

Submission:

GeneDx
Classification: Benign. Last evaluated: 2018-06-14. Review status: criteria provided, single submitter. Criteria: GeneDx Variant Classification (06012015). Collection method: clinical testing. Allele origin: germline. Affected: yes.
Comment: This variant is considered likely benign or benign based on one or more of the following criteria: it is a conservative change, it occurs at a poorly conserved position in the protein, it is predicted to be benign by multiple in silico algorithms, and/or has population frequency not consistent with disease.

NM_133259.3(LRPPRC):c.-272G>C

Gene: LRPPRC (leucine rich pentatricopeptide repeat containing; minus strand). Cytogenetic location: 2p21.
Variant type: single nucleotide variant.
Coding change: c.-272G>C on transcript NM_133259.3; 272 bases upstream of the start codon, G replaced by C.
Genome position (GRCh38, 1-based): chr2:43,996,219, C>G on the plus strand (G>C on the coding strand, the complement: LRPPRC is on the minus strand). VCF-style: chr2-43996219-C-G. GRCh37 (hg19) VCF-style: chr2-44223358-C-G.
Identifiers: ClinVar variation 672552 (VCV000672552.3), dbSNP rs56763294, ClinGen allele CA46458885.